The following is an entry in ClinVar:

ClinVar aggregate classification (germline): Uncertain significance. Review status: criteria provided, multiple submitters, no conflicts (2 of 4 stars). 3 submissions from 3 submitters: Uncertain significance (3). Last evaluated 2024-10-30.

Conditions:
Inborn genetic diseases. Identifiers: MedGen C0950123, MeSH D030342.

Allele frequency attached by ClinVar (database versions not stated): TOPMed 0.00014; ESP Exome Variant Server 0.00015; ExAC 0.00016; gnomAD 0.00018 and 0.00019; gnomAD exomes 0.00023; 1000 Genomes Project 30x 0.00047; 1000 Genomes Project 0.00060.
gnomAD v4.1: 379 of 1,614,090 alleles (0.023%); highest among the groups gnomAD compares: East Asian, 0.14%; no homozygotes.

Submissions (3):

Blueprint Genetics
Classification: Uncertain significance. Last evaluated: 2024-10-30. Review status: criteria provided, single submitter. Criteria: ACMG Guidelines, 2015. Collection method: clinical testing. Allele origin: germline.

Ambry Genetics
Classification: Uncertain significance for Inborn genetic diseases. Last evaluated: 2023-10-10. Review status: criteria provided, single submitter. Criteria: Ambry Variant Classification Scheme 2023. Collection method: clinical testing. Allele origin: germline.

Labcorp Genetics (formerly Invitae), Labcorp
Classification: Uncertain significance. Last evaluated: 2022-10-14. Review status: criteria provided, single submitter. Criteria: Invitae Variant Classification Sherloc (09022015). Collection method: clinical testing. Allele origin: germline.
Comment: This sequence change replaces isoleucine, which is neutral and non-polar, with threonine, which is neutral and polar, at codon 66 of the DNAAF4 protein (p.Ile66Thr). This variant is present in population databases (rs114245686, gnomAD 0.2%). This variant has not been reported in the literature in individuals affected with DNAAF4-related conditions. ClinVar contains an entry for this variant (Variation ID: 410966). Advanced modeling of protein sequence and biophysical properties (such as structural, functional, and spatial information, amino acid conservation, physicochemical variation, residue mobility, and thermodynamic stability) performed at Invitae indicates that this missense variant is expected to disrupt DNAAF4 protein function. In summary, the available evidence is currently insufficient to determine the role of this variant in disease. Therefore, it has been classified as a Variant of Uncertain Significance.

NM_130810.4(DNAAF4):c.197T>C (p.Ile66Thr)

Genes: DNAAF4 (dynein axonemal assembly factor 4; minus strand), DNAAF4-CCPG1 (DNAAF4-CCPG1 readthrough (NMD candidate); minus strand). Cytogenetic location: 15q21.3.
Variant type: single nucleotide variant.
Coding change: c.197T>C on transcript NM_130810.4 (MANE Select); coding-DNA position 197, T replaced by C.
Protein change: p.Ile66Thr; replaces isoleucine 66 with threonine.
Molecular consequence: missense variant. On other transcripts: non-coding transcript variant (1).
Genome position (GRCh38, 1-based): chr15:55,497,786, A>G on the plus strand (T>C on the coding strand, the complement: DNAAF4 is on the minus strand). VCF-style: chr15-55497786-A-G. GRCh37 (hg19) VCF-style: chr15-55789984-A-G.
Other names: c.197T>C, p.Ile66Thr (NM_001033559.3, NM_001033560.2); short protein forms I66T.
Identifiers: ClinVar variation 410966 (VCV000410966.9), dbSNP rs114245686, ClinGen allele CA7575109.